The following is an entry in ClinVar:

ClinVar aggregate classification (germline): Uncertain significance (1 of 4 stars; one submission).

gnomAD v4.1: 4 of 1,614,062 alleles (0.00025%); highest among the groups gnomAD compares: Non-Finnish European, 0.00034%; no homozygotes.

Submission:

Labcorp Genetics (formerly Invitae), Labcorp
Classification: Uncertain significance. Last evaluated: 2025-10-03. Review status: criteria provided, single submitter. Criteria: Invitae Variant Classification Sherloc (09022015). Collection method: clinical testing. Allele origin: germline.
Comment: This sequence change replaces glutamic acid, which is acidic and polar, with lysine, which is basic and polar, at codon 629 of the STT3A protein (p.Glu629Lys). This variant is not present in population databases (gnomAD no frequency). This variant has not been reported in the literature in individuals affected with STT3A-related conditions. Invitae Evidence Modeling of protein sequence and biophysical properties (such as structural, functional, and spatial information, amino acid conservation, physicochemical variation, residue mobility, and thermodynamic stability) indicates that this missense variant is not expected to disrupt STT3A protein function with a negative predictive value of 80%. In summary, the available evidence is currently insufficient to determine the role of this variant in disease. Therefore, it has been classified as a Variant of Uncertain Significance.

NM_152713.5(STT3A):c.1885G>A (p.Glu629Lys)

Gene: STT3A (STT3 oligosaccharyltransferase complex catalytic subunit A; plus strand). Cytogenetic location: 11q24.2.
Variant type: single nucleotide variant.
Coding change: c.1885G>A on transcript NM_152713.5 (MANE Select); coding-DNA position 1885, G replaced by A.
Protein change: p.Glu629Lys; replaces glutamic acid 629 with lysine.
Molecular consequence: missense variant.
Genome position (GRCh38, 1-based): chr11:125,618,483, G>A. VCF-style: chr11-125618483-G-A. GRCh37 (hg19) VCF-style: chr11-125488378-G-A.
Other names: c.1885G>A, p.Glu629Lys (NM_001278503.2); c.1609G>A, p.Glu537Lys (NM_001278504.2); short protein forms E537K, E629K.
Identifiers: ClinVar variation 4743856 (VCV004743856.1).
Genomic context (GRCh38, chr11:125,618,483, plus strand): 5'-GGCAAACATATCAAGGAGAATGACTATTATACTCCAACTGGGGAGTTCCGTGTGGACCGT[G>A]AAGGTTCTCCAGTGCTGCTCAACTGCCTCATGTACAAGATGTGTTACTATCGCTTTGGAC-3'
Protein context (NP_689926.1, residues 619-639): TPTGEFRVDR[Glu629Lys]GSPVLLNCLM